The following is an entry in ClinVar:

ClinVar aggregate classification (germline): Uncertain significance (1 of 4 stars; one submission).

Allele frequency attached by ClinVar (database versions not stated): gnomAD exomes below 0.00001.
gnomAD v4.1: 3 of 1,612,352 alleles (0.00019%); no homozygotes.

Submission:

GeneDx
Classification: Uncertain significance. Last evaluated: 2024-11-13. Review status: criteria provided, single submitter. Criteria: GeneDx Variant Classification Process June 2021. Collection method: clinical testing. Allele origin: germline. Affected: yes.
Comment: Not observed at significant frequency in large population cohorts (gnomAD); Has not been previously published as pathogenic or benign to our knowledge; In silico analysis is inconclusive as to whether the variant alters gene splicing. In the absence of RNA/functional studies, the actual effect of this sequence change is unknown.

NM_080647.1(TBX1):c.34+5G>A

Gene: TBX1 (T-box transcription factor 1; plus strand). Cytogenetic location: 22q11.21.
Variant type: single nucleotide variant.
Coding change: c.34+5G>A on transcript NM_080647.1; 5 bases into the intron after coding-DNA position 34, G replaced by A.
Molecular consequence: intron variant.
Genome position (GRCh38, 1-based): chr22:19,759,682, G>A. VCF-style: chr22-19759682-G-A. GRCh37 (hg19) VCF-style: chr22-19747205-G-A.
Other names: c.34+5G>A (NM_005992.1, NM_080646.2).
Identifiers: ClinVar variation 504134 (VCV000504134.4), dbSNP rs1555895115, ClinGen allele CA658799488.